The following is an entry in ClinVar:

ClinVar aggregate classification (germline): Uncertain significance (1 of 4 stars; one submission).

Conditions:
Cholestanol storage disease (CTX). Also called: CTX: Cerebrotendinous xanthomatosis; CEREBRAL CHOLESTERINOSIS; Cerebrotendinous Xanthomatosis. Identifiers: Orphanet 909, MedGen C0238052, MONDO:0008948, OMIM 213700.

Submission:

Labcorp Genetics (formerly Invitae), Labcorp
Classification: Uncertain significance for Cholestanol storage disease. Last evaluated: 2022-10-24. Review status: criteria provided, single submitter. Criteria: Invitae Variant Classification Sherloc (09022015). Collection method: clinical testing. Allele origin: germline.
Comment: This sequence change replaces serine, which is neutral and polar, with phenylalanine, which is neutral and non-polar, at codon 308 of the CYP27A1 protein (p.Ser308Phe). This variant is not present in population databases (gnomAD no frequency). This variant has not been reported in the literature in individuals affected with CYP27A1-related conditions. ClinVar contains an entry for this variant (Variation ID: 1428935). Advanced modeling of protein sequence and biophysical properties (such as structural, functional, and spatial information, amino acid conservation, physicochemical variation, residue mobility, and thermodynamic stability) has been performed at Invitae for this missense variant, however the output from this modeling did not meet the statistical confidence thresholds required to predict the impact of this variant on CYP27A1 protein function. In summary, the available evidence is currently insufficient to determine the role of this variant in disease. Therefore, it has been classified as a Variant of Uncertain Significance.

NM_000784.4(CYP27A1):c.923C>T (p.Ser308Phe)

Gene: CYP27A1 (cytochrome P450 family 27 subfamily A member 1; plus strand). Cytogenetic location: 2q35.
Variant type: single nucleotide variant.
Coding change: c.923C>T on transcript NM_000784.4 (MANE Select); coding-DNA position 923, C replaced by T.
Protein change: p.Ser308Phe; replaces serine 308 with phenylalanine.
Molecular consequence: missense variant.
Genome position (GRCh38, 1-based): chr2:218,813,002, C>T. VCF-style: chr2-218813002-C-T. GRCh37 (hg19) VCF-style: chr2-219677725-C-T.
Other names: short protein forms S308F.
Identifiers: ClinVar variation 1428935 (VCV001428935.8), dbSNP rs2105980439, ClinGen allele CA350588468.